The following is an entry in ClinVar:

NM_000744.7(CHRNA4):c.1116C>T (p.Ile372=)

Gene: CHRNA4 (cholinergic receptor nicotinic alpha 4 subunit; minus strand). Cytogenetic location: 20q13.33.
Variant type: single nucleotide variant.
Coding change: c.1116C>T on transcript NM_000744.7 (MANE Select); coding-DNA position 1116, C replaced by T.
Protein change: p.Ile372=; no amino-acid change (isoleucine 372 retained).
Molecular consequence: synonymous variant. On other transcripts: non-coding transcript variant (1).
Genome position (GRCh38, 1-based): chr20:63,350,295, G>A on the plus strand (C>T on the coding strand, the complement: CHRNA4 is on the minus strand). VCF-style: chr20-63350295-G-A. GRCh37 (hg19) VCF-style: chr20-61981647-G-A.
Other names: p.I372I:ATC>ATT; c.588C>T, p.Ile196= (NM_001256573.2).
Identifiers: ClinVar variation 204996 (VCV000204996.50), dbSNP rs199889002, ClinGen allele CA313512.

ClinVar aggregate classification (germline): Benign/Likely benign. Review status: criteria provided, multiple submitters, no conflicts (2 of 4 stars). 5 submissions from 5 submitters: Benign (1); Likely benign (4). Last evaluated 2026-02-02.

Conditions:
Familial sleep-related hypermotor epilepsy. Also called: Autosomal Dominant Sleep-Related Hypermotor (Hyperkinetic) Epilepsy. Identifiers: Orphanet 98784, MedGen C3696898, MONDO:0000030.
Inborn genetic diseases. Identifiers: MedGen C0950123, MeSH D030342.

Allele frequency attached by ClinVar (database versions not stated): gnomAD 0.00005 and 0.00006; TOPMed 0.00006.
gnomAD v4.1: 143 of 1,612,706 alleles (0.0089%); highest among the groups gnomAD compares: Non-Finnish European, 0.011%; no homozygotes.

Submissions (5):

Labcorp Genetics (formerly Invitae), Labcorp
Classification: Likely benign. Last evaluated: 2026-02-02. Review status: criteria provided, single submitter. Criteria: Invitae Variant Classification Sherloc (09022015). Collection method: clinical testing. Allele origin: germline.

Blueprint Genetics
Classification: Likely benign. Last evaluated: 2024-09-16. Review status: criteria provided, single submitter. Criteria: ACMG Guidelines, 2015. Collection method: clinical testing. Allele origin: germline.

CeGaT Center for Human Genetics Tuebingen
Classification: Likely benign. Last evaluated: 2023-07-01. Review status: criteria provided, single submitter. Criteria: CeGaT Center For Human Genetics Tuebingen Variant Classification Criteria Version 2. Collection method: clinical testing. Allele origin: germline. Affected: yes. Observed: 3 variant alleles.
Comment: CHRNA4: BP4, BP7

Ambry Genetics
Classification: Likely benign for Inborn genetic diseases. Last evaluated: 2018-09-22. Review status: criteria provided, single submitter. Criteria: Ambry Variant Classification Scheme 2023. Collection method: clinical testing. Allele origin: germline.

GeneDx
Classification: Benign. Last evaluated: 2014-09-03. Review status: criteria provided, single submitter. Criteria: GeneDx Variant Classification (06012015). Collection method: clinical testing. Allele origin: germline. Affected: yes.
Comment: This variant is considered likely benign or benign based on one or more of the following criteria: it is a conservative change, it occurs at a poorly conserved position in the protein, it is predicted to be benign by multiple in silico algorithms, and/or has population frequency not consistent with disease.